The following is an entry in ClinVar:

ClinVar aggregate classification (germline): Uncertain significance. Review status: criteria provided, multiple submitters, no conflicts (2 of 4 stars). 2 submissions from 2 submitters: Uncertain significance (2). Last evaluated 2026-03-19.

Conditions:
Hereditary nonpolyposis colorectal neoplasms. Identifiers: MedGen C0009405, MeSH D003123.
Hereditary cancer-predisposing syndrome. Also called: Neoplastic Syndromes, Hereditary; Tumor predisposition; Hereditary Cancer Syndrome; Hereditary neoplastic syndrome. Identifiers: Orphanet 140162, MedGen C0027672, MeSH D009386, MONDO:0015356.

Submissions (2):

Ambry Genetics
Classification: Uncertain significance for Hereditary cancer-predisposing syndrome. Last evaluated: 2026-03-19. Review status: criteria provided, single submitter. Criteria: Ambry Variant Classification Scheme 2023. Collection method: clinical testing. Allele origin: germline.

Labcorp Genetics (formerly Invitae), Labcorp
Classification: Uncertain significance for Hereditary nonpolyposis colorectal neoplasms. Last evaluated: 2023-10-05. Review status: criteria provided, single submitter. Criteria: Invitae Variant Classification Sherloc (09022015). Collection method: clinical testing. Allele origin: germline.
Comment: This sequence change replaces threonine, which is neutral and polar, with alanine, which is neutral and non-polar, at codon 523 of the MSH6 protein (p.Thr523Ala). This variant is not present in population databases (gnomAD no frequency). This variant has not been reported in the literature in individuals affected with MSH6-related conditions. ClinVar contains an entry for this variant (Variation ID: 1911559). Advanced modeling of protein sequence and biophysical properties (such as structural, functional, and spatial information, amino acid conservation, physicochemical variation, residue mobility, and thermodynamic stability) performed at Invitae indicates that this missense variant is not expected to disrupt MSH6 protein function. In summary, the available evidence is currently insufficient to determine the role of this variant in disease. Therefore, it has been classified as a Variant of Uncertain Significance.

NM_000179.3(MSH6):c.1567A>G (p.Thr523Ala)

Gene: MSH6 (mutS homolog 6; plus strand). Cytogenetic location: 2p16.3.
Variant type: single nucleotide variant.
Coding change: c.1567A>G on transcript NM_000179.3 (MANE Select); coding-DNA position 1567, A replaced by G.
Protein change: p.Thr523Ala; replaces threonine 523 with alanine.
Molecular consequence: missense variant.
Genome position (GRCh38, 1-based): chr2:47,799,550, A>G. VCF-style: chr2-47799550-A-G. GRCh37 (hg19) VCF-style: chr2-48026689-A-G.
Other names: c.1270A>G, p.Thr424Ala (NM_001406797.1, NM_001406801.1, NM_001406805.1 and 10 more transcripts); c.1567A>G, p.Thr523Ala (NM_001406798.1, NM_001406800.1, NM_001406803.1 and 4 more transcripts); c.1042A>G, p.Thr348Ala (NM_001406799.1, NM_001406806.1, NM_001406807.1); c.1663A>G, p.Thr555Ala (NM_001406802.1, NM_001406795.1); c.1489A>G, p.Thr497Ala (NM_001406804.1); c.661A>G, p.Thr221Ala (NM_001406823.1, NM_001281493.2, NM_001281494.2 and 6 more transcripts); c.1399A>G, p.Thr467Ala (NM_001406826.1); c.1177A>G, p.Thr393Ala (NM_001281492.2); and 1 more; short protein forms T523A, T555A, T393A, T424A, T467A, T221A, T348A, T497A.
Identifiers: ClinVar variation 1911559 (VCV001911559.6), dbSNP rs759857124, ClinGen allele CA346746761.